The following is an entry in ClinVar:

ClinVar aggregate classification (germline): Uncertain significance (1 of 4 stars; one submission).

Submission:

GeneDx
Classification: Uncertain significance. Last evaluated: 2023-12-12. Review status: criteria provided, single submitter. Criteria: GeneDx Variant Classification Process June 2021. Collection method: clinical testing. Allele origin: germline. Affected: yes.
Comment: Not observed at significant frequency in large population cohorts (gnomAD); In silico analysis supports that this missense variant does not alter protein structure/function; Has not been previously published as pathogenic or benign to our knowledge

NM_003737.4(DCHS1):c.3244T>A (p.Leu1082Met)

Gene: DCHS1 (dachsous cadherin-related 1; minus strand). Cytogenetic location: 11p15.4.
Variant type: single nucleotide variant.
Coding change: c.3244T>A on transcript NM_003737.4 (MANE Select); coding-DNA position 3244, T replaced by A.
Protein change: p.Leu1082Met; replaces leucine 1082 with methionine.
Molecular consequence: missense variant.
Genome position (GRCh38, 1-based): chr11:6,632,268, A>T on the plus strand (T>A on the coding strand, the complement: DCHS1 is on the minus strand). VCF-style: chr11-6632268-A-T. GRCh37 (hg19) VCF-style: chr11-6653499-A-T.
Other names: short protein forms L1082M.
Identifiers: ClinVar variation 3365407 (VCV003365407.1).